The following is an entry in ClinVar:

ClinVar aggregate classification (germline): Uncertain significance (1 of 4 stars; one submission).

Conditions:
Congenital myasthenic syndrome 20. Also called: Myasthenic syndrome, congenital, 20, presynaptic. Identifiers: MedGen C4310694, MONDO:0014939, OMIM 617143.
Neuronopathy, distal hereditary motor, type 7A. Also called: Neuronopathy, distal hereditary motor, type viia; NEURONOPATHY, DISTAL HEREDITARY MOTOR, HARDING TYPE VIIA; NEUROPATHY, DISTAL HEREDITARY MOTOR, HARDING TYPE VIIA; Neuronopathy, distal hereditary motor, autosomal dominant 7; HARPER-YOUNG MYOPATHY; HMN VIIA. Identifiers: Orphanet 139589, MedGen C1834703, MONDO:0008024, OMIM 158580.

gnomAD v4.1: 4 of 1,613,398 alleles (0.00025%); highest among the groups gnomAD compares: Non-Finnish European, 0.00025%; no homozygotes.

Submission:

Labcorp Genetics (formerly Invitae), Labcorp
Classification: Uncertain significance for Neuronopathy, distal hereditary motor, type 7A; Congenital myasthenic syndrome 20. Last evaluated: 2025-02-17. Review status: criteria provided, single submitter. Criteria: Invitae Variant Classification Sherloc (09022015). Collection method: clinical testing. Allele origin: germline.
Comment: This sequence change replaces isoleucine, which is neutral and non-polar, with valine, which is neutral and non-polar, at codon 352 of the SLC5A7 protein (p.Ile352Val). This variant is present in population databases (rs775122957, gnomAD 0.0009%). This variant has not been reported in the literature in individuals affected with SLC5A7-related conditions. Invitae Evidence Modeling of protein sequence and biophysical properties (such as structural, functional, and spatial information, amino acid conservation, physicochemical variation, residue mobility, and thermodynamic stability) indicates that this missense variant is not expected to disrupt SLC5A7 protein function with a negative predictive value of 80%. In summary, the available evidence is currently insufficient to determine the role of this variant in disease. Therefore, it has been classified as a Variant of Uncertain Significance.

NM_021815.5(SLC5A7):c.1054A>G (p.Ile352Val)

Gene: SLC5A7 (solute carrier family 5 member 7; plus strand). Cytogenetic location: 2q12.3.
Variant type: single nucleotide variant.
Coding change: c.1054A>G on transcript NM_021815.5 (MANE Select); coding-DNA position 1054, A replaced by G.
Protein change: p.Ile352Val; replaces isoleucine 352 with valine.
Molecular consequence: missense variant.
Genome position (GRCh38, 1-based): chr2:108,008,623, A>G. VCF-style: chr2-108008623-A-G. GRCh37 (hg19) VCF-style: chr2-108625079-A-G.
Other names: c.1054A>G, p.Ile352Val (NM_001305005.3); c.739A>G, p.Ile247Val (NM_001305006.3); c.313A>G, p.Ile105Val (NM_001305007.3); short protein forms I105V, I247V, I352V.
Identifiers: ClinVar variation 4791032 (VCV004791032.1).